The following is an entry in ClinVar:

NM_014629.4(ARHGEF10):c.3319C>A (p.Leu1107Ile)

Gene: ARHGEF10 (Rho guanine nucleotide exchange factor 10; plus strand). Cytogenetic location: 8p23.3.
Variant type: single nucleotide variant.
Coding change: c.3319C>A on transcript NM_014629.4 (MANE Select); coding-DNA position 3319, C replaced by A.
Protein change: p.Leu1107Ile; replaces leucine 1107 with isoleucine.
Molecular consequence: missense variant.
Genome position (GRCh38, 1-based): chr8:1,945,577, C>A. VCF-style: chr8-1945577-C-A. GRCh37 (hg19) VCF-style: chr8-1893743-C-A.
Other names: c.3205C>A, p.Leu1069Ile (NM_001308152.2); c.3319C>A, p.Leu1107Ile (NM_001308153.3); short protein forms L1069I, L1107I, L1131I.
Identifiers: ClinVar variation 1554432 (VCV001554432.12), dbSNP rs138879766, ClinGen allele CA4601300.

ClinVar aggregate classification (germline): Conflicting classifications of pathogenicity. Review status: criteria provided, conflicting classifications (1 of 4 stars). 4 submissions from 4 submitters: Uncertain significance (1); Likely benign (2). 1 of the submissions does not count toward it. Last evaluated 2025-09-19.

Conditions:
ARHGEF10-related disorder. Also called: ARHGEF10-related condition.

Allele frequency attached by ClinVar (database versions not stated): gnomAD exomes 0.00017; ExAC 0.00023; gnomAD 0.00054 and 0.00056; TOPMed 0.00066; ESP Exome Variant Server 0.00085; 1000 Genomes Project 30x 0.00094; 1000 Genomes Project 0.00100.

Submissions (4):

Labcorp Genetics (formerly Invitae), Labcorp
Classification: Likely benign. Last evaluated: 2025-09-19. Review status: criteria provided, single submitter. Criteria: Invitae Variant Classification Sherloc (09022015). Collection method: clinical testing. Allele origin: germline.

Ambry Genetics
Classification: Uncertain significance. Last evaluated: 2025-08-04. Review status: criteria provided, single submitter. Criteria: Ambry Variant Classification Scheme 2023. Collection method: clinical testing. Allele origin: germline.

Breakthrough Genomics
Classification: Likely benign. Review status: criteria provided, single submitter. Criteria: ACMG Guidelines, 2015. Collection method: not provided. Allele origin: germline. Inheritance: Autosomal dominant inheritance. Affected: yes.

PreventionGenetics, part of Exact Sciences
Classification: Likely benign for ARHGEF10-related condition. Last evaluated: 2019-12-09. Review status: no assertion criteria provided. Collection method: clinical testing. Allele origin: germline. Not counted in ClinVar's aggregate classification.
Comment: This variant is classified as likely benign based on ACMG/AMP sequence variant interpretation guidelines (Richards et al. 2015 PMID: 25741868, with internal and published modifications).